The following is an entry in ClinVar:

ClinVar aggregate classification (germline): Uncertain significance (1 of 4 stars; one submission).

Conditions:
Alzheimer disease. Also called: Presenile and senile dementia; Alzheimer's disease. Identifiers: Orphanet 1020, MedGen C0002395, MeSH D000544, MONDO:0004975, HP:0002511.

gnomAD v4.1: 1 of 1,614,120 alleles (0.000062%); highest among the groups gnomAD compares: Non-Finnish European, 0.000085%; no homozygotes.

Submission:

Labcorp Genetics (formerly Invitae), Labcorp
Classification: Uncertain significance for Alzheimer disease. Last evaluated: 2024-09-16. Review status: criteria provided, single submitter. Criteria: Invitae Variant Classification Sherloc (09022015). Collection method: clinical testing. Allele origin: germline.
Comment: This sequence change replaces cysteine, which is neutral and slightly polar, with glycine, which is neutral and non-polar, at codon 341 of the APP protein (p.Cys341Gly). This variant is present in population databases (rs746740645, gnomAD 0.0009%). This variant has not been reported in the literature in individuals affected with APP-related conditions. Invitae Evidence Modeling of protein sequence and biophysical properties (such as structural, functional, and spatial information, amino acid conservation, physicochemical variation, residue mobility, and thermodynamic stability) has been performed for this missense variant. However, the output from this modeling did not meet the statistical confidence thresholds required to predict the impact of this variant on APP protein function. In summary, the available evidence is currently insufficient to determine the role of this variant in disease. Therefore, it has been classified as a Variant of Uncertain Significance.

NM_000484.4(APP):c.1021T>G (p.Cys341Gly)

Gene: APP (amyloid beta precursor protein; minus strand). Cytogenetic location: 21q21.3.
Variant type: single nucleotide variant.
Coding change: c.1021T>G on transcript NM_000484.4 (MANE Select); coding-DNA position 1021, T replaced by G.
Protein change: p.Cys341Gly; replaces cysteine 341 with glycine.
Molecular consequence: missense variant. On other transcripts: intron variant (5).
Genome position (GRCh38, 1-based): chr21:26,000,027, A>C on the plus strand (T>G on the coding strand, the complement: APP is on the minus strand). VCF-style: chr21-26000027-A-C. GRCh37 (hg19) VCF-style: chr21-27372342-A-C.
Other names: c.1006T>G, p.Cys336Gly (NM_001136016.3); c.853T>G, p.Cys285Gly (NM_001136130.3); c.1021T>G, p.Cys341Gly (NM_001204301.2, NM_001204302.2, NM_201413.3); c.761-17550T>G (NM_001136131.3); c.698-17550T>G (NM_001136129.3); c.866-17550T>G (NM_001204303.2, NM_201414.3); c.866-2611T>G (NM_001385253.1); short protein forms C336G, C285G, C341G.
Identifiers: ClinVar variation 3704290 (VCV003704290.2).